The following is an entry in ClinVar:

NM_014324.6(AMACR):c.139G>T (p.Gly47Cys)

Genes: AMACR (alpha-methylacyl-CoA racemase; minus strand), C1QTNF3-AMACR (C1QTNF3-AMACR readthrough (NMD candidate); minus strand). Cytogenetic location: 5p13.2.
Variant type: single nucleotide variant.
Coding change: c.139G>T on transcript NM_014324.6 (MANE Select); coding-DNA position 139, G replaced by T.
Protein change: p.Gly47Cys; replaces glycine 47 with cysteine.
Molecular consequence: missense variant.
Genome position (GRCh38, 1-based): chr5:34,007,881, C>A on the plus strand (G>T on the coding strand, the complement: AMACR is on the minus strand). VCF-style: chr5-34007881-C-A. GRCh37 (hg19) VCF-style: chr5-34007986-C-A.
Other names: c.139G>T, p.Gly47Cys (NM_001167595.2, NM_203382.3); short protein forms G47C.
Identifiers: ClinVar variation 1397044 (VCV001397044.6), dbSNP rs2112078140, ClinGen allele CA359385255.
Genomic context (GRCh38, chr5:34,007,881, plus strand): 5'-GCAGCACGGCGGCTCCCCGCGGCTGCTTCAGGTCCAGCACTAGCGAGCGCTTGCCCCGGC[C>A]CAAGCGGCTCACGTCGTAGCGGGAGCCGGGCCGGTCCACGCGTACCACACGCGCCCCGAA-3'
Protein context (NP_055139.4, residues 37-57): PGSRYDVSRL[Gly47Cys]RGKRSLVLDL

ClinVar aggregate classification (germline): Uncertain significance (1 of 4 stars; one submission).

Conditions:
Alpha-methylacyl-CoA racemase deficiency (AMACRD). Also called: AMACR deficiency. Identifiers: Orphanet 79095, MedGen C3280428, MONDO:0013681, OMIM 614307. Disease mechanism: loss of function.

Allele frequency attached by ClinVar (database versions not stated): gnomAD exomes below 0.00001.
gnomAD v4.1: 1 of 1,597,354 alleles (0.000063%); highest among the groups gnomAD compares: Non-Finnish European, 0.000085%; no homozygotes.

Submission:

Labcorp Genetics (formerly Invitae), Labcorp
Classification: Uncertain significance for Alpha-methylacyl-CoA racemase deficiency. Last evaluated: 2022-08-10. Review status: criteria provided, single submitter. Criteria: Invitae Variant Classification Sherloc (09022015). Collection method: clinical testing. Allele origin: germline.
Comment: In summary, the available evidence is currently insufficient to determine the role of this variant in disease. Therefore, it has been classified as a Variant of Uncertain Significance. Algorithms developed to predict the effect of missense changes on protein structure and function (SIFT, PolyPhen-2, Align-GVGD) all suggest that this variant is likely to be tolerated. ClinVar contains an entry for this variant (Variation ID: 1397044). This variant has not been reported in the literature in individuals affected with AMACR-related conditions. This variant is not present in population databases (gnomAD no frequency). This sequence change replaces glycine, which is neutral and non-polar, with cysteine, which is neutral and slightly polar, at codon 47 of the AMACR protein (p.Gly47Cys).